The following is an entry in ClinVar:

ClinVar aggregate classification (germline): Benign. Review status: criteria provided, multiple submitters, no conflicts (2 of 4 stars). 2 submissions from 2 submitters: Benign (2). Last evaluated 2018-01-13.

Conditions:
Griscelli syndrome type 2 (GS2). Also called: GRISCELLI SYNDROME WITH HEMOPHAGOCYTIC SYNDROME; PAID SYNDROME; PARTIAL ALBINISM AND IMMUNODEFICIENCY SYNDROME. Identifiers: Orphanet 381, Orphanet 79477, MedGen C1868679, MONDO:0011872, OMIM 607624.

Allele frequency attached by ClinVar (database versions not stated): 1000 Genomes Project 0.26538; gnomAD 0.26583 and 0.27298; 1000 Genomes Project 30x 0.27108; TOPMed 0.27677.

Submissions (2):

Illumina Laboratory Services, Illumina
Classification: Benign for Griscelli syndrome type 2. Last evaluated: 2018-01-13. Review status: criteria provided, single submitter. Criteria: ICSL Variant Classification Criteria 13 December 2019. Collection method: clinical testing. Allele origin: germline.
Comment: This variant was observed in the ICSL laboratory as part of a predisposition screen in an ostensibly healthy population. It had not been previously curated by ICSL or reported in the Human Gene Mutation Database (HGMD: prior to June 1st, 2018), and was therefore a candidate for classification through an automated scoring system. Utilizing variant allele frequency, disease prevalence and penetrance estimates, and inheritance mode, an automated score was calculated to assess if this variant is too frequent to cause the disease. Based on the score and internal cut-off values, a variant classified as benign is not then subjected to further curation. The score for this variant resulted in a classification of benign for this disease.

Breakthrough Genomics
Classification: Benign. Review status: criteria provided, single submitter. Criteria: ACMG Guidelines, 2015. Collection method: not provided. Allele origin: germline. Inheritance: Autosomal recessive inheritance. Affected: yes.

NM_183235.3(RAB27A):c.*1418T>A

Gene: RAB27A (RAB27A, member RAS oncogene family; minus strand). Cytogenetic location: 15q21.3.
Variant type: single nucleotide variant.
Coding change: c.*1418T>A on transcript NM_183235.3 (MANE Select); 1418 bases downstream of the stop codon, T replaced by A.
Molecular consequence: 3 prime UTR variant.
Genome position (GRCh38, 1-based): chr15:55,204,089, A>T on the plus strand (T>A on the coding strand, the complement: RAB27A is on the minus strand). VCF-style: chr15-55204089-A-T. GRCh37 (hg19) VCF-style: chr15-55496287-A-T.
Other names: c.*1418T>A (NM_004580.5, NM_183234.3, NM_183236.3).
Identifiers: ClinVar variation 316628 (VCV000316628.6), dbSNP rs1061874, ClinGen allele CA10642259.